The following is an entry in ClinVar:

NM_018489.3(ASH1L):c.78C>T (p.Ile26=)

Gene: ASH1L (ASH1 like histone lysine methyltransferase; minus strand). Cytogenetic location: 1q22.
Variant type: single nucleotide variant.
Coding change: c.78C>T on transcript NM_018489.3 (MANE Select); coding-DNA position 78, C replaced by T.
Protein change: p.Ile26=; no amino-acid change (isoleucine 26 retained).
Molecular consequence: synonymous variant.
Genome position (GRCh38, 1-based): chr1:155,521,442, G>A on the plus strand (C>T on the coding strand, the complement: ASH1L is on the minus strand). VCF-style: chr1-155521442-G-A. GRCh37 (hg19) VCF-style: chr1-155491233-G-A.
Other names: c.78C>T, p.Ile26= (NM_001366177.2).
Identifiers: ClinVar variation 2662802 (VCV002662802.1), dbSNP rs2524745098, ClinGen allele CA421251503.

ClinVar aggregate classification (germline): Uncertain significance (1 of 4 stars; one submission).

Submission:

GeneDx
Classification: Uncertain significance. Last evaluated: 2023-04-13. Review status: criteria provided, single submitter. Criteria: GeneDx Variant Classification Process June 2021. Collection method: clinical testing. Allele origin: germline. Affected: yes.
Comment: Not observed at significant frequency in large population cohorts (gnomAD); In silico analysis supports that this variant does not alter splicing; Has not been previously published as pathogenic or benign to our knowledge